The following is an entry in ClinVar:

NM_145207.3(AFG2A):c.1345A>G (p.Ile449Val)

Gene: AFG2A (AFG2 AAA ATPase homolog A; plus strand). Cytogenetic location: 4q28.1.
Variant type: single nucleotide variant.
Coding change: c.1345A>G on transcript NM_145207.3 (MANE Select); coding-DNA position 1345, A replaced by G.
Protein change: p.Ile449Val; replaces isoleucine 449 with valine.
Molecular consequence: missense variant.
Genome position (GRCh38, 1-based): chr4:122,938,136, A>G. VCF-style: chr4-122938136-A-G. GRCh37 (hg19) VCF-style: chr4-123859291-A-G.
Other names: c.1342A>G, p.Ile448Val (NM_001317799.2, NM_001345856.2); short protein forms I449V, I448V.
Identifiers: ClinVar variation 576839 (VCV000576839.3), dbSNP rs1175885311, ClinGen allele CA358105971.

ClinVar aggregate classification (germline): Uncertain significance (1 of 4 stars; one submission).

Conditions:
Microcephaly-intellectual disability-sensorineural hearing loss-epilepsy-abnormal muscle tone syndrome (NEDHSB). Also called: NEURODEVELOPMENTAL DISORDER WITH HEARING LOSS, SEIZURES, AND BRAIN ABNORMALITIES. Identifiers: Orphanet 457351, MedGen C4225276, MONDO:0014698, OMIM 616577.

Allele frequency attached by ClinVar (database versions not stated): gnomAD 0.00001; gnomAD exomes 0.00001; TOPMed 0.00001.
gnomAD v4.1: 15 of 1,603,174 alleles (0.00094%); highest among the groups gnomAD compares: Non-Finnish European, 0.0013%; no homozygotes.

Submission:

Labcorp Genetics (formerly Invitae), Labcorp
Classification: Uncertain significance for Microcephaly-intellectual disability-sensorineural hearing loss-epilepsy-abnormal muscle tone syndrome. Last evaluated: 2021-08-27. Review status: criteria provided, single submitter. Criteria: Invitae Variant Classification Sherloc (09022015). Collection method: clinical testing. Allele origin: germline.
Comment: This sequence change replaces isoleucine with valine at codon 449 of the SPATA5 protein (p.Ile449Val). The isoleucine residue is highly conserved and there is a small physicochemical difference between isoleucine and valine. This variant is not present in population databases (ExAC no frequency). This variant has not been reported in the literature in individuals affected with SPATA5-related conditions. Algorithms developed to predict the effect of missense changes on protein structure and function output the following: SIFT: "Deleterious"; PolyPhen-2: "Benign"; Align-GVGD: "Class C25". The valine amino acid residue is found in multiple mammalian species, which suggests that this missense change does not adversely affect protein function. In summary, the available evidence is currently insufficient to determine the role of this variant in disease. Therefore, it has been classified as a Variant of Uncertain Significance.